The following is an entry in ClinVar:

ClinVar aggregate classification (germline): Conflicting classifications of pathogenicity. Review status: criteria provided, conflicting classifications (1 of 4 stars). 2 submissions from 2 submitters: Uncertain significance (1); Likely benign (1). Last evaluated 2024-03-21.

Conditions:
Hereditary pancreatitis (PCTT). Also called: PRSS1-Related Hereditary Pancreatitis; Hereditary chronic pancreatitis. Identifiers: Orphanet 676, MedGen C0238339, MONDO:0008185, OMIM 167800.

Allele frequency attached by ClinVar (database versions not stated): ExAC 0.00001; gnomAD 0.00004; TOPMed 0.00004.

Submissions (2):

Ambry Genetics
Classification: Likely benign for Hereditary pancreatitis. Last evaluated: 2024-03-21. Review status: criteria provided, single submitter. Criteria: Ambry Variant Classification Scheme 2023. Collection method: clinical testing. Allele origin: germline.

Labcorp Genetics (formerly Invitae), Labcorp
Classification: Uncertain significance. Last evaluated: 2023-09-05. Review status: criteria provided, single submitter. Criteria: Invitae Variant Classification Sherloc (09022015). Collection method: clinical testing. Allele origin: germline.
Comment: In summary, the available evidence is currently insufficient to determine the role of this variant in disease. Therefore, it has been classified as a Variant of Uncertain Significance. An algorithm developed to predict the effect of missense changes on protein structure and function (PolyPhen-2) suggests that this variant is likely to be tolerated. ClinVar contains an entry for this variant (Variation ID: 1769627). This variant has not been reported in the literature in individuals affected with CPA1-related conditions. The frequency data for this variant in the population databases is considered unreliable, as metrics indicate poor data quality at this position in the gnomAD database. This sequence change replaces aspartic acid, which is acidic and polar, with asparagine, which is neutral and polar, at codon 44 of the CPA1 protein (p.Asp44Asn).

NM_001868.4(CPA1):c.130G>A (p.Asp44Asn)

Gene: CPA1 (carboxypeptidase A1; plus strand). Cytogenetic location: 7q32.2.
Variant type: single nucleotide variant.
Coding change: c.130G>A on transcript NM_001868.4 (MANE Select); coding-DNA position 130, G replaced by A.
Protein change: p.Asp44Asn; replaces aspartic acid 44 with asparagine.
Molecular consequence: missense variant.
Genome position (GRCh38, 1-based): chr7:130,381,162, G>A. VCF-style: chr7-130381162-G-A. GRCh37 (hg19) VCF-style: chr7-130021003-G-A.
Other names: short protein forms D44N.
Identifiers: ClinVar variation 1769627 (VCV001769627.5), dbSNP rs782702163, ClinGen allele CA4484682.